The following is an entry in ClinVar:

ClinVar aggregate classification (germline): Uncertain significance. Review status: criteria provided, multiple submitters, no conflicts (2 of 4 stars). 3 submissions from 3 submitters: Uncertain significance (3). Last evaluated 2023-07-17.

Conditions:
Catecholaminergic polymorphic ventricular tachycardia 1. Also called: VENTRICULAR TACHYCARDIA, CATECHOLAMINERGIC POLYMORPHIC, 1, WITH OR WITHOUT ATRIAL DYSFUNCTION AND/OR DILATED CARDIOMYOPATHY; RYR2-Related Catecholaminergic Polymorphic Ventricular Tachycardia; VENTRICULAR TACHYCARDIA, STRESS-INDUCED POLYMORPHIC 1. Identifiers: Orphanet 3286, MedGen C1631597, MONDO:0011484, OMIM 604772.
Catecholaminergic polymorphic ventricular tachycardia 5 (CARDAR). Also called: Ventricular tachycardia, catecholaminergic polymorphic, 5, with or without muscle weakness; CARDIAC ARRHYTHMIA SYNDROME, WITH OR WITHOUT SKELETAL MUSCLE WEAKNESS. Identifiers: Orphanet 3286, MedGen C3809536, MONDO:0014191, OMIM 615441.
Cardiovascular phenotype. Identifiers: MedGen CN230736.

Allele frequency attached by ClinVar (database versions not stated): ExAC below 0.00001; gnomAD exomes 0.00002 and 0.00001; TOPMed 0.00003; gnomAD 0.00005; ESP Exome Variant Server 0.00009.
gnomAD v4.1: 32 of 1,535,642 alleles (0.0021%); highest among the groups gnomAD compares: Non-Finnish European, 0.0027%; no homozygotes.

Submissions (3):

Ambry Genetics
Classification: Uncertain significance for Cardiovascular phenotype. Last evaluated: 2023-07-17. Review status: criteria provided, single submitter. Criteria: Ambry Variant Classification Scheme 2023. Collection method: clinical testing. Allele origin: germline.
Comment: The c.1471+5T>C intronic variant results from a T to C substitution 5 nucleotides after coding exon 23 in the TRDN gene. This nucleotide position is well conserved in available vertebrate species. In silico splice site analysis predicts that this alteration will not have any significant effect on splicing. Since supporting evidence is limited at this time, the clinical significance of this alteration remains unclear.

Fulgent Genetics
Classification: Uncertain significance for Catecholaminergic polymorphic ventricular tachycardia 1; Catecholaminergic polymorphic ventricular tachycardia 5. Last evaluated: 2021-09-30. Review status: criteria provided, single submitter. Criteria: ACMG Guidelines, 2015. Collection method: clinical testing. Allele origin: unknown.

Labcorp Genetics (formerly Invitae), Labcorp
Classification: Uncertain significance for Catecholaminergic polymorphic ventricular tachycardia 1. Last evaluated: 2021-08-28. Review status: criteria provided, single submitter. Criteria: Invitae Variant Classification Sherloc (09022015). Collection method: clinical testing. Allele origin: germline.
Comment: This sequence change falls in intron 23 of the TRDN gene. It does not directly change the encoded amino acid sequence of the TRDN protein. It affects a nucleotide within the consensus splice site of the intron. The frequency data for this variant in the population databases is considered unreliable, as metrics indicate poor data quality at this position in the ExAC database. This variant has not been reported in the literature in individuals affected with TRDN-related conditions. Variants that disrupt the consensus splice site are a relatively common cause of aberrant splicing (PMID: 17576681, 9536098). Algorithms developed to predict the effect of sequence changes on RNA splicing suggest that this variant is not likely to affect RNA splicing. In summary, the available evidence is currently insufficient to determine the role of this variant in disease. Therefore, it has been classified as a Variant of Uncertain Significance.

Literature cited by the submitters: PubMed 17576681 (cited by Labcorp Genetics (formerly Invitae), Labcorp); PubMed 9536098 (cited by Labcorp Genetics (formerly Invitae), Labcorp).

NM_006073.4(TRDN):c.1471+5T>C

Gene: TRDN (triadin; minus strand). Cytogenetic location: 6q22.31.
Variant type: single nucleotide variant.
Coding change: c.1471+5T>C on transcript NM_006073.4 (MANE Select); 5 bases into the intron after coding-DNA position 1471, T replaced by C.
Molecular consequence: intron variant.
Genome position (GRCh38, 1-based): chr6:123,331,874, A>G on the plus strand (T>C on the coding strand, the complement: TRDN is on the minus strand). VCF-style: chr6-123331874-A-G. GRCh37 (hg19) VCF-style: chr6-123653019-A-G.
Other names: c.1471+5T>C (NM_006073.2).
Identifiers: ClinVar variation 532380 (VCV000532380.9), dbSNP rs374426512, ClinGen allele CA3983946.